The following is an entry in ClinVar:

ClinVar aggregate classification (germline): Uncertain significance. Review status: criteria provided, multiple submitters, no conflicts (2 of 4 stars). 2 submissions from 2 submitters: Uncertain significance (2). Last evaluated 2025-02-12.

Conditions:
Muscular dystrophy-dystroglycanopathy (congenital with brain and eye anomalies), type a, 8 (MDDGA8). Also called: WALKER-WARBURG SYNDROME OR MUSCLE-EYE-BRAIN DISEASE, GTDC2-RELATED. Identifiers: Orphanet 899, MedGen C3553813, MONDO:0013904, OMIM 614830.
Inborn genetic diseases. Identifiers: MedGen C0950123, MeSH D030342.

Allele frequency attached by ClinVar (database versions not stated): gnomAD exomes below 0.00001; gnomAD 0.00001; ExAC 0.00002; TOPMed 0.00002.
gnomAD v4.1: 3 of 1,614,122 alleles (0.00019%); highest among the groups gnomAD compares: African/African-American, 0.0013%; no homozygotes.

Submissions (2):

Ambry Genetics
Classification: Uncertain significance for Inborn genetic diseases. Last evaluated: 2025-02-12. Review status: criteria provided, single submitter. Criteria: Ambry Variant Classification Scheme 2023. Collection method: clinical testing. Allele origin: germline.

Labcorp Genetics (formerly Invitae), Labcorp
Classification: Uncertain significance for Muscular dystrophy-dystroglycanopathy (congenital with brain and eye anomalies), type a, 8. Last evaluated: 2020-06-16. Review status: criteria provided, single submitter. Criteria: Invitae Variant Classification Sherloc (09022015). Collection method: clinical testing. Allele origin: germline.
Comment: In summary, the available evidence is currently insufficient to determine the role of this variant in disease. Therefore, it has been classified as a Variant of Uncertain Significance. Algorithms developed to predict the effect of missense changes on protein structure and function are either unavailable or do not agree on the potential impact of this missense change (SIFT: "Deleterious"; PolyPhen-2: "Benign"; Align-GVGD: "Class C25"). This variant has not been reported in the literature in individuals with POMGNT2-related conditions. This variant is present in population databases (rs761158868, ExAC 0.01%). This sequence change replaces serine with phenylalanine at codon 109 of the POMGNT2 protein (p.Ser109Phe). The serine residue is highly conserved and there is a large physicochemical difference between serine and phenylalanine.

NM_032806.6(POMGNT2):c.326C>T (p.Ser109Phe)

Gene: POMGNT2 (protein O-linked mannose N-acetylglucosaminyltransferase 2 (beta 1,4-); minus strand). Cytogenetic location: 3p22.1.
Variant type: single nucleotide variant.
Coding change: c.326C>T on transcript NM_032806.6 (MANE Select); coding-DNA position 326, C replaced by T.
Protein change: p.Ser109Phe; replaces serine 109 with phenylalanine.
Molecular consequence: missense variant.
Genome position (GRCh38, 1-based): chr3:43,081,106, G>A on the plus strand (C>T on the coding strand, the complement: POMGNT2 is on the minus strand). VCF-style: chr3-43081106-G-A. GRCh37 (hg19) VCF-style: chr3-43122598-G-A.
Other names: c.326C>T (NM_032806.4); short protein forms S109F.
Identifiers: ClinVar variation 1013848 (VCV001013848.6), dbSNP rs761158868, ClinGen allele CA2340105.